The following is an entry in ClinVar:

ClinVar aggregate classification (germline): Uncertain significance. Review status: criteria provided, multiple submitters, no conflicts (2 of 4 stars). 2 submissions from 2 submitters: Uncertain significance (2). Last evaluated 2024-05-02.

Conditions:
Developmental delay, hypotonia, musculoskeletal defects, and behavioral abnormalities. Identifiers: MedGen C5562012, MONDO:0859202, OMIM 619595.
Floating-Harbor syndrome (FLHS). Also called: SRCAP-Related Floating-Harbor Syndrome; Short stature with delayed bone age, expressive language delay, a triangular face with a prominent nose and deep-set eyes; Pelletier-Leisti syndrome. Identifiers: Orphanet 2044, MedGen C0729582, MONDO:0007621, OMIM 136140.

Submissions (2):

Fulgent Genetics
Classification: Uncertain significance for Floating-Harbor syndrome; Developmental delay, hypotonia, musculoskeletal defects, and behavioral abnormalities. Last evaluated: 2024-05-02. Review status: criteria provided, single submitter. Criteria: ACMG Guidelines, 2015. Collection method: clinical testing. Allele origin: germline.

Labcorp Genetics (formerly Invitae), Labcorp
Classification: Uncertain significance. Last evaluated: 2023-07-16. Review status: criteria provided, single submitter. Criteria: Invitae Variant Classification Sherloc (09022015). Collection method: clinical testing. Allele origin: germline.
Comment: In summary, the available evidence is currently insufficient to determine the role of this variant in disease. Therefore, it has been classified as a Variant of Uncertain Significance. An algorithm developed to predict the effect of missense changes on protein structure and function (PolyPhen-2) suggests that this variant is likely to be tolerated. This variant has not been reported in the literature in individuals affected with SRCAP-related conditions. Information on the frequency of this variant in the gnomAD database is not available, as this variant may be reported differently in the database. This sequence change replaces alanine, which is neutral and non-polar, with leucine, which is neutral and non-polar, at codon 1721 of the SRCAP protein (p.Ala1721Leu).

NM_006662.3(SRCAP):c.5161_5162delinsCT (p.Ala1721Leu)

Gene: SRCAP (Snf2 related CREBBP activator protein; plus strand). Cytogenetic location: 16p11.2.
Variant type: Indel.
Coding change: c.5161_5162delinsCT on transcript NM_006662.3 (MANE Select); coding-DNA positions 5161 to 5162, GC replaced by CT.
Protein change: p.Ala1721Leu; replaces alanine 1721 with leucine.
Molecular consequence: missense variant.
Genome position (GRCh38, 1-based): chr16:30,724,585-30,724,586, GC replaced by CT. VCF-style: chr16-30724585-GC-CT. GRCh37 (hg19) VCF-style: chr16-30735906-GC-CT.
Other names: short protein forms A1721L.
Identifiers: ClinVar variation 2964790 (VCV002964790.4), dbSNP rs2506681686, ClinGen allele CA2740093304.